The following is an entry in ClinVar:

ClinVar aggregate classification (germline): Uncertain significance. Review status: criteria provided, single submitter (1 of 4 stars). 2 submissions from 2 submitters: Uncertain significance (1). 1 of the submissions does not count toward it. Last evaluated 2023-12-21.

Conditions:
Inborn genetic diseases. Identifiers: MedGen C0950123, MeSH D030342.
Thrombocytopenia 5 (THC5). Also called: THROMBOCYTOPENIA 5 WITH INCREASED SUSCEPTIBILITY TO MALIGNANCY; THROMBOCYTOPENIA, AUTOSOMAL DOMINANT, 5. Identifiers: MedGen C4015537, MONDO:0014536, OMIM 616216.

Submissions (3):

Ambry Genetics
Classification: Uncertain significance for Inborn genetic diseases. Last evaluated: 2023-12-21. Review status: criteria provided, single submitter. Criteria: Ambry Variant Classification Scheme 2023. Collection method: clinical testing. Allele origin: germline.
Comment: The p.R418G variant (also known as c.1252A>G), located in coding exon 7 of the ETV6 gene, results from an A to G substitution at nucleotide position 1252. The arginine at codon 418 is replaced by glycine, an amino acid with dissimilar properties. This amino acid position is highly conserved in available vertebrate species. In addition, this alteration is predicted to be deleterious by in silico analysis. functional studies have demonstrated that this alteration impacts the ability of ETV6 to bind DNA and repress target gene function (Noetzli L et al. Nat Genet 2015 May;47(5):535-538.). Since supporting evidence is limited at this time, the clinical significance of this alteration remains unclear.

OMIM
Classification: Pathogenic for THROMBOCYTOPENIA 5. Last evaluated: 2015-05-01. Review status: no assertion criteria provided. Collection method: literature only. Allele origin: germline. Not counted in ClinVar's aggregate classification.

Dr. Peter K. Rogan Lab, Western University
No classification provided (evidence only). Condition: Acute myeloid leukemia. Review status: no classification provided. Collection method: in vitro. Allele origin: not applicable. Functional consequence: skipped exon, retained intron. Not counted in ClinVar's aggregate classification.

Literature cited by the submitters: PubMed 25807284 (cited by OMIM).

NM_001987.5(ETV6):c.1252A>G (p.Arg418Gly)

Gene: ETV6 (ETS variant transcription factor 6; plus strand). Cytogenetic location: 12p13.2.
Variant type: single nucleotide variant.
Coding change: c.1252A>G on transcript NM_001987.5 (MANE Select); coding-DNA position 1252, A replaced by G.
Protein change: p.Arg418Gly; replaces arginine 418 with glycine.
Molecular consequence: missense variant.
Genome position (GRCh38, 1-based): chr12:11,886,025, A>G. VCF-style: chr12-11886025-A-G. GRCh37 (hg19) VCF-style: chr12-12038959-A-G.
Other names: NC_000012.11:g.12038959A>G; c.1252A>G (NM_001987.4); short protein forms R418G.
Identifiers: ClinVar variation 190309 (VCV000190309.3), dbSNP rs786205226, ClinGen allele CA199659.